The following is an entry in ClinVar:

ClinVar aggregate classification (germline): Conflicting classifications of pathogenicity. Review status: criteria provided, conflicting classifications (1 of 4 stars). 4 submissions from 4 submitters: Uncertain significance (3); Likely benign (1). Last evaluated 2025-10-22.

Allele frequency attached by ClinVar (database versions not stated): ExAC 0.00014; gnomAD 0.00016 and 0.00018; TOPMed 0.00022; gnomAD exomes 0.00024; 1000 Genomes Project 0.00040; 1000 Genomes Project 30x 0.00047.
gnomAD v4.1: 189 of 1,612,738 alleles (0.012%); highest among the groups gnomAD compares: Admixed American, 0.11%; no homozygotes.

Submissions (4):

Labcorp Genetics (formerly Invitae), Labcorp
Classification: Uncertain significance. Last evaluated: 2025-10-22. Review status: criteria provided, single submitter. Criteria: Invitae Variant Classification Sherloc (09022015). Collection method: clinical testing. Allele origin: germline.
Comment: This sequence change replaces alanine, which is neutral and non-polar, with valine, which is neutral and non-polar, at codon 471 of the PDE6B protein (p.Ala471Val). This variant is present in population databases (rs182071364, gnomAD 0.1%). This variant has not been reported in the literature in individuals affected with PDE6B-related conditions. ClinVar contains an entry for this variant (Variation ID: 809605). Invitae Evidence Modeling of protein sequence and biophysical properties (such as structural, functional, and spatial information, amino acid conservation, physicochemical variation, residue mobility, and thermodynamic stability) has been performed for this missense variant. However, the output from this modeling did not meet the statistical confidence thresholds required to predict the impact of this variant on PDE6B protein function. In summary, the available evidence is currently insufficient to determine the role of this variant in disease. Therefore, it has been classified as a Variant of Uncertain Significance.

Blueprint Genetics
Classification: Likely benign. Last evaluated: 2024-11-14. Review status: criteria provided, single submitter. Criteria: ACMG Guidelines, 2015. Collection method: clinical testing. Allele origin: germline.

CeGaT Center for Human Genetics Tuebingen
Classification: Uncertain significance. Last evaluated: 2016-06-01. Review status: criteria provided, single submitter. Criteria: CeGaT Center For Human Genetics Tuebingen Variant Classification Criteria Version 2. Collection method: clinical testing. Allele origin: germline. Affected: yes. Observed: 1 variant allele.

Breakthrough Genomics
Classification: Uncertain significance. Review status: criteria provided, single submitter. Criteria: ACMG Guidelines, 2015. Collection method: not provided. Allele origin: germline. Inheritance: Autosomal recessive inheritance. Affected: yes.

NM_000283.4(PDE6B):c.1412C>T (p.Ala471Val)

Gene: PDE6B (phosphodiesterase 6B; plus strand). Cytogenetic location: 4p16.3.
Variant type: single nucleotide variant.
Coding change: c.1412C>T on transcript NM_000283.4 (MANE Select); coding-DNA position 1412, C replaced by T.
Protein change: p.Ala471Val; replaces alanine 471 with valine.
Molecular consequence: missense variant.
Genome position (GRCh38, 1-based): chr4:658,962, C>T. VCF-style: chr4-658962-C-T. GRCh37 (hg19) VCF-style: chr4-652751-C-T.
Other names: c.1412C>T, p.Ala471Val (NM_001145291.2); c.575C>T, p.Ala192Val (NM_001145292.2, NM_001350154.3, NM_001379246.1 and 1 more transcripts); c.257C>T, p.Ala86Val (NM_001350155.3); short protein forms A86V, A192V, A471V.
Identifiers: ClinVar variation 809605 (VCV000809605.50), dbSNP rs182071364, ClinGen allele CA2794510.